The following is an entry in ClinVar:

ClinVar aggregate classification (germline): Uncertain significance (1 of 4 stars; one submission).

Conditions:
Autoimmune lymphoproliferative syndrome type 1. Also called: AUTOIMMUNE LYMPHOPROLIFERATIVE SYNDROME, TYPE I, AUTOSOMAL DOMINANT. Identifiers: Orphanet 3261, MedGen C2717884, MONDO:0011158, OMIM 601859.

Submission:

Labcorp Genetics (formerly Invitae), Labcorp
Classification: Uncertain significance for Autoimmune lymphoproliferative syndrome. Last evaluated: 2019-05-16. Review status: criteria provided, single submitter. Criteria: Invitae Variant Classification Sherloc (09022015). Collection method: clinical testing. Allele origin: germline.
Comment: This variant results in a copy number gain of the genomic region encompassing the full coding sequence of the FASLG gene. The boundaries of this event are unknown as they extend beyond the assayed region for this gene and therefore may encompass additional genes. As the precise location of this event is unknown, it may be in tandem or it may be located elsewhere in the genome. This variant has not been reported in the literature in individuals with FASLG-related conditions. In summary, the available evidence is currently insufficient to determine the role of this variant in disease. Therefore, it has been classified as a Variant of Uncertain Significance.

NC_000001.11:g.(?_172658358)_(172666036_?)dup

Gene: FASLG (Fas ligand; plus strand). Cytogenetic location: 1q24.3.
Variant type: Duplication.
Identifiers: ClinVar variation 830400 (VCV000830400.2).